The following is an entry in ClinVar:

NM_000504.4(F10):c.1201A>T (p.Asn401Tyr)

Genes: F10 (coagulation factor X; plus strand), F10-AS2 (F10 antisense RNA 2; minus strand). Cytogenetic location: 13q34.
Variant type: single nucleotide variant.
Coding change: c.1201A>T on transcript NM_000504.4 (MANE Select); coding-DNA position 1201, A replaced by T.
Protein change: p.Asn401Tyr; replaces asparagine 401 with tyrosine.
Molecular consequence: missense variant. On other transcripts: 3 prime UTR variant (1).
Genome position (GRCh38, 1-based): chr13:113,149,251, A>T. VCF-style: chr13-113149251-A-T. GRCh37 (hg19) VCF-style: chr13-113803565-A-T.
Other names: c.1069A>T, p.Asn357Tyr (NM_001312674.2); c.*192A>T (NM_001312675.2); short protein forms N357Y, N401Y.
Identifiers: ClinVar variation 4994267 (VCV004994267.1).

ClinVar aggregate classification (germline): Uncertain significance (1 of 4 stars; one submission).

Conditions:
F10-related disorder. Also called: F10-related condition.

Submission:

PreventionGenetics, part of Exact Sciences
Classification: Uncertain significance for F10-related condition. Last evaluated: 2025-11-20. Review status: criteria provided, single submitter. Criteria: ACMG Guidelines, 2015. Collection method: clinical testing. Allele origin: germline.
Comment: The F10 c.1201A>T variant is predicted to result in the amino acid substitution p.Asn401Tyr. To our knowledge, this variant has not been reported in the literature or in a large population database (gnomAD), indicating this variant is rare. At this time, the clinical significance of this variant is uncertain due to the absence of conclusive functional and genetic evidence.